The following is an entry in ClinVar:

NM_002485.5(NBN):c.250C>A (p.Gln84Lys)

Gene: NBN (nibrin; minus strand). Cytogenetic location: 8q21.3.
Variant type: single nucleotide variant.
Coding change: c.250C>A on transcript NM_002485.5 (MANE Select); coding-DNA position 250, C replaced by A.
Protein change: p.Gln84Lys; replaces glutamine 84 with lysine.
Molecular consequence: missense variant.
Genome position (GRCh38, 1-based): chr8:89,981,445, G>T on the plus strand (C>A on the coding strand, the complement: NBN is on the minus strand). VCF-style: chr8-89981445-G-T. GRCh37 (hg19) VCF-style: chr8-90993673-G-T.
Other names: c.4C>A, p.Gln2Lys (NM_001024688.3); short protein forms Q84K, Q2K.
Identifiers: ClinVar variation 918090 (VCV000918090.15), dbSNP rs1586108714, ClinGen allele CA371662479.

ClinVar aggregate classification (germline): Uncertain significance. Review status: criteria provided, multiple submitters, no conflicts (2 of 4 stars). 4 submissions from 4 submitters: Uncertain significance (4). Last evaluated 2025-05-05.

Conditions:
Hereditary cancer-predisposing syndrome. Also called: Hereditary Cancer Syndrome; Hereditary neoplastic syndrome; Neoplastic Syndromes, Hereditary; Tumor predisposition. Identifiers: Orphanet 140162, MedGen C0027672, MeSH D009386, MONDO:0015356.
Microcephaly, normal intelligence and immunodeficiency (NBS). Also called: Ataxia telangiectasia variant V1; IMMUNODEFICIENCY, MICROCEPHALY, AND CHROMOSOMAL INSTABILITY; SEEMANOVA SYNDROME II; Nijmegen breakage syndrome; Microcephaly with normal intelligence immunodeficiency and lymphoreticular malignancies; Nonsyndromal microcephaly autosomal recessive with normal intelligence. Identifiers: Orphanet 647, MedGen C0398791, MONDO:0009623, OMIM 251260.

Allele frequency attached by ClinVar (database versions not stated): gnomAD exomes below 0.00001.
gnomAD v4.1: 2 of 1,613,940 alleles (0.00012%); highest among the groups gnomAD compares: East Asian, 0.0045%; no homozygotes.

Submissions (4):

Labcorp Genetics (formerly Invitae), Labcorp
Classification: Uncertain significance for Microcephaly, normal intelligence and immunodeficiency. Last evaluated: 2025-05-05. Review status: criteria provided, single submitter. Criteria: Invitae Variant Classification Sherloc (09022015). Collection method: clinical testing. Allele origin: germline.
Comment: This sequence change replaces glutamine, which is neutral and polar, with lysine, which is basic and polar, at codon 84 of the NBN protein (p.Gln84Lys). This variant is not present in population databases (gnomAD no frequency). This variant has not been reported in the literature in individuals affected with NBN-related conditions. ClinVar contains an entry for this variant (Variation ID: 918090). An algorithm developed to predict the effect of missense changes on protein structure and function (PolyPhen-2) suggests that this variant is likely to be tolerated. In summary, the available evidence is currently insufficient to determine the role of this variant in disease. Therefore, it has been classified as a Variant of Uncertain Significance.

Genome-Nilou Lab
Classification: Uncertain significance for Microcephaly, normal intelligence and immunodeficiency. Last evaluated: 2021-11-07. Review status: criteria provided, single submitter. Criteria: ACMG Guidelines, 2015. Collection method: clinical testing. Allele origin: germline. Affected: no.

Ambry Genetics
Classification: Uncertain significance for Hereditary cancer-predisposing syndrome. Last evaluated: 2020-07-01. Review status: criteria provided, single submitter. Criteria: Ambry Variant Classification Scheme 2023. Collection method: clinical testing. Allele origin: germline.
Comment: The p.Q84K variant (also known as c.250C>A), located in coding exon 3 of the NBN gene, results from a C to A substitution at nucleotide position 250. The glutamine at codon 84 is replaced by lysine, an amino acid with similar properties. This alteration has been reported with a carrier frequency of 0.00014 in 7051 unselected women with breast cancer and 0.00009 in 11241 female controls; and with a carrier frequency of 0.0000 in 53 unselected men with breast cancer and 0.0003 in 12490 male controls (Momozawa Y et al. Nat Commun, 2018 10;9:4083). This amino acid position is not well conserved in available vertebrate species. In addition, this alteration is predicted to be tolerated by in silico analysis. Since supporting evidence is limited at this time, the clinical significance of this alteration remains unclear.

Women's Health and Genetics/Laboratory Corporation of America, LabCorp
Classification: Uncertain significance. Last evaluated: 2020-03-12. Review status: criteria provided, single submitter. Criteria: LabCorp Variant Classification Summary - May 2015. Collection method: clinical testing. Allele origin: germline.
Comment: Variant summary: NBN c.250C>A (p.Gln84Lys) results in a conservative amino acid change located in the Forkhead-associated (FHA) domain (IPR000253) of the encoded protein sequence. Four of five in-silico tools predict a benign effect of the variant on protein function. The variant allele was found at a frequency of 1.7e-05 in 298870 control chromosomes (gnomAD and publications). The available data on variant occurrences in the general population are insufficient to allow any conclusion about variant significance. c.250C>A has been reported in the literature in at least one individual affected with breast cancer, but also in controls (Momozawa_2018). This report does not provide unequivocal conclusions about association of the variant with Nijmegen Breakage Syndrome. To our knowledge, no experimental evidence demonstrating an impact on protein function has been reported. No clinical diagnostic laboratories have submitted clinical-significance assessments for this variant to ClinVar after 2014. Based on the evidence outlined above, the variant was classified as uncertain significance.

Literature cited by the submitters: PubMed 30287823 (cited by Ambry Genetics and Women's Health and Genetics/Laboratory Corporation of America, LabCorp).